The following is an entry in ClinVar:

ClinVar aggregate classification (germline): Uncertain significance. Review status: criteria provided, multiple submitters, no conflicts (2 of 4 stars). 5 submissions from 5 submitters: Uncertain significance (5). Last evaluated 2024-09-23.

Conditions:
Hereditary cancer-predisposing syndrome. Also called: Hereditary Cancer Syndrome; Tumor predisposition; Neoplastic Syndromes, Hereditary; Hereditary neoplastic syndrome. Identifiers: Orphanet 140162, MedGen C0027672, MeSH D009386, MONDO:0015356.
Peutz-Jeghers syndrome (PJS). Also called: Peutz-Jeghers polyposis; Periorificial lentiginosis syndrome; POLYPOSIS, HAMARTOMATOUS INTESTINAL; POLYPS-AND-SPOTS SYNDROME. Identifiers: Orphanet 2869, MedGen C0031269, MeSH D010580, MONDO:0008280, OMIM 175200.

Allele frequency attached by ClinVar (database versions not stated): gnomAD exomes below 0.00001.
gnomAD v4.1: 2 of 1,613,940 alleles (0.00012%); highest among the groups gnomAD compares: African/African-American, 0.0027%; no homozygotes.

Submissions (5):

Ambry Genetics
Classification: Uncertain significance for Hereditary cancer-predisposing syndrome. Last evaluated: 2024-09-23. Review status: criteria provided, single submitter. Criteria: Ambry Variant Classification Scheme 2023. Collection method: clinical testing. Allele origin: germline.
Comment: The p.K48R variant (also known as c.143A>G), located in coding exon 1 of the STK11 gene, results from an A to G substitution at nucleotide position 143. The lysine at codon 48 is replaced by arginine, an amino acid with highly similar properties. This amino acid position is highly conserved in available vertebrate species. In addition, this alteration is predicted to be tolerated by in silico analysis. Based on the available evidence, the clinical significance of this variant remains unclear.

Labcorp Genetics (formerly Invitae), Labcorp
Classification: Uncertain significance for Peutz-Jeghers syndrome. Last evaluated: 2024-05-13. Review status: criteria provided, single submitter. Criteria: Invitae Variant Classification Sherloc (09022015). Collection method: clinical testing. Allele origin: germline.
Comment: This sequence change replaces lysine, which is basic and polar, with arginine, which is basic and polar, at codon 48 of the STK11 protein (p.Lys48Arg). This variant is not present in population databases (gnomAD no frequency). This variant has not been reported in the literature in individuals affected with STK11-related conditions. ClinVar contains an entry for this variant (Variation ID: 505434). Advanced modeling of protein sequence and biophysical properties (such as structural, functional, and spatial information, amino acid conservation, physicochemical variation, residue mobility, and thermodynamic stability) has been performed at Invitae for this missense variant, however the output from this modeling did not meet the statistical confidence thresholds required to predict the impact of this variant on STK11 protein function. Experimental studies have shown that this missense change does not substantially affect STK11 function (PMID: 18687677, 23577667, 30594553, 31217475, 31554794). In summary, the available evidence is currently insufficient to determine the role of this variant in disease. Therefore, it has been classified as a Variant of Uncertain Significance.

Genome-Nilou Lab
Classification: Uncertain significance for Peutz-Jeghers syndrome. Last evaluated: 2021-07-15. Review status: criteria provided, single submitter. Criteria: ACMG Guidelines, 2015. Collection method: clinical testing. Allele origin: germline. Affected: no.

Color Diagnostics, LLC DBA Color Health
Classification: Uncertain significance for Hereditary cancer-predisposing syndrome. Last evaluated: 2019-04-25. Review status: criteria provided, single submitter. Criteria: ACMG Guidelines, 2015. Collection method: clinical testing. Allele origin: germline.

Laboratory for Molecular Medicine, Mass General Brigham Personalized Medicine
Classification: Uncertain significance. Last evaluated: 2016-11-23. Review status: criteria provided, single submitter. Criteria: LMM Criteria. Collection method: clinical testing. Allele origin: germline. Observed: 1 variant allele.
Comment: The p.Lys48Arg variant in STK11 has not been previously reported in individuals with Peutz-Jeghers syndrome or in large population studies. Computational predic tion tools and conservation analysis do not provide strong support for or agains t an impact to the protein. In summary, the clinical significance of the p.Lys48 Arg variant is uncertain.

Literature cited by the submitters: PubMed 18687677 (cited by Labcorp Genetics (formerly Invitae), Labcorp); PubMed 23577667 (cited by Labcorp Genetics (formerly Invitae), Labcorp); PubMed 30594553 (cited by Labcorp Genetics (formerly Invitae), Labcorp); PubMed 31217475 (cited by Labcorp Genetics (formerly Invitae), Labcorp); PubMed 31554794 (cited by Labcorp Genetics (formerly Invitae), Labcorp).

NM_000455.5(STK11):c.143A>G (p.Lys48Arg)

Gene: STK11 (serine/threonine kinase 11; plus strand). Cytogenetic location: 19p13.3.
Variant type: single nucleotide variant.
Coding change: c.143A>G on transcript NM_000455.5 (MANE Select); coding-DNA position 143, A replaced by G.
Protein change: p.Lys48Arg; replaces lysine 48 with arginine.
Molecular consequence: missense variant.
Genome position (GRCh38, 1-based): chr19:1,207,056, A>G. VCF-style: chr19-1207056-A-G. GRCh37 (hg19) VCF-style: chr19-1207055-A-G.
Other names: short protein forms K48R.
Identifiers: ClinVar variation 505434 (VCV000505434.20), dbSNP rs766776431, ClinGen allele CA402944046.
Genomic context (GRCh38, chr19:1,207,056, plus strand): 5'-GCATCGACTCCACCGAGGTCATCTACCAGCCGCGCCGCAAGCGGGCCAAGCTCATCGGCA[A>G]GTACCTGATGGGGGACCTGCTGGGGGAAGGCTCTTACGGCAAGGTGAAGGAGGTGCTGGA-3'
Protein context (NP_000446.1, residues 38-58): PRRKRAKLIG[Lys48Arg]YLMGDLLGEG